The following continues an entry in ClinVar:

NM_000540.3(RYR1):c.9472+1G>A

Gene: RYR1. ClinVar aggregate classification (germline): Pathogenic. Pathogenic (1).

Submissions 7 to 10 of 10:

All of Us Research Program, National Institutes of Health
Classification: Uncertain significance for Malignant hyperthermia, susceptibility to, 1. Last evaluated: 2024-03-05. Review status: criteria provided, single submitter. Criteria: ACMG Guidelines, 2015. Collection method: clinical testing. Allele origin: germline. Inheritance: Autosomal dominant inheritance. Observed: 2 variant alleles, 2 heterozygotes. Not counted in ClinVar's aggregate classification.
Comment: This pathogenicity assessment is for autosomal dominant malignant hyperthermia susceptibility phenotype. This canonical splice site variant is predicted to result in an absent RYR1 protein product. Loss of RYR1 function due to haploinsufficiency is associated with congenital myopathy, but it is not an established disease mechanism for autosomal dominant malignant hyperthermia susceptibility. Therefore, this variant is classified as a Variant of Uncertain Significance for malignant hyperthermia susceptibility.

This study involves interpretation of variants in research participants for the purpose of population health screening. Participant phenotype was not available at the time of variant classification. Additional details can be found in publication PMID: 35346344, PMCID: PMC8962531

Revvity Omics, Revvity
Classification: Likely pathogenic. Last evaluated: 2023-07-21. Review status: criteria provided, single submitter. Criteria: ACMG Guidelines, 2015. Collection method: clinical testing. Allele origin: germline. Not counted in ClinVar's aggregate classification.

Fulgent Genetics
Classification: Likely pathogenic for Central core myopathy; Malignant hyperthermia, susceptibility to, 1; Congenital myopathy 4A, autosomal dominant; Congenital multicore myopathy with external ophthalmoplegia; King Denborough syndrome. Last evaluated: 2021-12-27. Review status: criteria provided, single submitter. Criteria: ACMG Guidelines, 2015. Collection method: clinical testing. Allele origin: unknown. Not counted in ClinVar's aggregate classification.

GeneDx
Classification: Likely pathogenic. Last evaluated: 2017-08-18. Review status: criteria provided, single submitter. Criteria: GeneDx Variant Classification (06012015). Collection method: clinical testing. Allele origin: germline. Affected: yes. Not counted in ClinVar's aggregate classification.
Comment: The c.9472+1 G>A variant has not been published as a pathogenic variant, nor has it been reported as a benign variant to our knowledge. This variant is not observed at a significant frequency in large population cohorts (Lek et al., 2016; 1000 Genomes Consortium et al., 2015; Exome Variant Server). The c.9472+1 G>A splice site variant destroys the canonical splice donor site for intron 63. It is predicted to cause abnormal gene splicing, either leading to an abnormal message that is subject to nonsense-mediated mRNA decay, or to an abnormal protein product if the message is used for protein translation. However, in the absence of RNA/functional studies the actual effect of this sequence change in this individual is unknown.

Literature cited by the submitters: PubMed 37838930 (cited by Women's Health and Genetics/Laboratory Corporation of America, LabCorp and Labcorp Genetics (formerly Invitae), Labcorp); PubMed 34625927 (cited by Women's Health and Genetics/Laboratory Corporation of America, LabCorp and Labcorp Genetics (formerly Invitae), Labcorp); PubMed 16199547 (cited by Labcorp Genetics (formerly Invitae), Labcorp); PubMed 23919265 (cited by Labcorp Genetics (formerly Invitae), Labcorp); PubMed 25960145 (cited by Labcorp Genetics (formerly Invitae), Labcorp); PubMed 28818389 (cited by Labcorp Genetics (formerly Invitae), Labcorp); PubMed 30611313 (cited by Labcorp Genetics (formerly Invitae), Labcorp).